The following is an entry in ClinVar:

ClinVar aggregate classification (germline): Benign. Review status: criteria provided, multiple submitters, no conflicts (2 of 4 stars). 4 submissions from 4 submitters: Benign (3). 1 of the submissions does not count toward it. Last evaluated 2026-01-25.

Conditions:
PODXL-related disorder. Also called: PODXL-related condition.

Submissions (4):

Labcorp Genetics (formerly Invitae), Labcorp
Classification: Benign. Last evaluated: 2026-01-25. Review status: criteria provided, single submitter. Criteria: Invitae Variant Classification Sherloc (09022015). Collection method: clinical testing. Allele origin: germline.

Mayo Clinic Laboratories, Mayo Clinic
Classification: Benign. Last evaluated: 2025-02-14. Review status: criteria provided, single submitter. Criteria: ACMG Guidelines, 2015. Collection method: clinical testing. Allele origin: germline. Observed: 11 variant alleles.

GeneDx
Classification: Benign. Last evaluated: 2021-05-05. Review status: criteria provided, single submitter. Criteria: GeneDx Variant Classification Process June 2021. Collection method: clinical testing. Allele origin: germline. Affected: yes.

PreventionGenetics, part of Exact Sciences
Classification: Likely benign for PODXL-related condition. Last evaluated: 2019-06-10. Review status: no assertion criteria provided. Collection method: clinical testing. Allele origin: germline. Not counted in ClinVar's aggregate classification.
Comment: This variant is classified as likely benign based on ACMG/AMP sequence variant interpretation guidelines (Richards et al. 2015 PMID: 25741868, with internal and published modifications).

NM_001018111.3(PODXL):c.66GTCGCC[2] (p.24PS[2])

Genes: PODXL (podocalyxin like; minus strand), LOC129999375 (ATAC-STARR-seq lymphoblastoid silent region 18663; plus strand). Cytogenetic location: 7q32.3.
Variant type: Microsatellite.
Coding change: c.66GTCGCC[2] on transcript NM_001018111.3 (MANE Select); two copies in a row of the 6-base unit GTCGCC starting at c.66; the reference has four copies in a row; two copies, 12 bases deleted.
Protein change: p.24PS[2].
Molecular consequence: inframe deletion.
Genome position (GRCh38, 1-based): chr7:131,556,271-131,556,282, GGCGACGGCGAC deleted on the plus strand (GTCGCCGTCGCC on the coding strand, the reverse complement: PODXL is on the minus strand); deleting any 12 consecutive bases within chr7:131,556,271-131,556,295 gives the same sequence; the position shown is the placement nearest the transcript's 3' end. VCF-style (leftmost placement, unchanged base first): chr7-131556270-GGGCGACGGCGAC-G. GRCh37 (hg19) VCF-style: chr7-131241029-GGGCGACGGCGAC-G.
Other names: p.Pro28_Ser31del; c.66GTCGCC[2], p.24PS[2] (NM_005397.4); c.78_89del12 (NM_005397.3); c.78_89del (NM_005397.4).
Identifiers: ClinVar variation 1276543 (VCV001276543.12), dbSNP rs11277659, ClinGen allele CA4488790.